The following is an entry in ClinVar:

ClinVar aggregate classification (germline): Pathogenic/Likely pathogenic. Review status: criteria provided, multiple submitters, no conflicts (2 of 4 stars). 9 submissions from 9 submitters: Pathogenic (5); Likely pathogenic (3). 1 of the submissions does not count toward it. Last evaluated 2025-12-16.

Conditions:
Multiple congenital anomalies/dysmorphic syndrome-intellectual disability. Identifiers: Orphanet 102283, MedGen C5680372, MONDO:0015159.
Microcephaly 5, primary, autosomal recessive (MCPH5). Also called: ASPM Primary Microcephaly. Identifiers: Orphanet 2512, MedGen C1837501, MONDO:0012106, OMIM 608716.

Allele frequency attached by ClinVar (database versions not stated): ExAC 0.00002; gnomAD exomes 0.00001; TOPMed 0.00001.
gnomAD v4.1: 12 of 1,612,486 alleles (0.00074%); highest among the groups gnomAD compares: South Asian, 0.0044%; no homozygotes.

Submissions (9):

GeneDx
Classification: Pathogenic. Last evaluated: 2025-12-16. Review status: criteria provided, single submitter. Criteria: GeneDx Variant Classification Process June 2021. Collection method: clinical testing. Allele origin: germline. Affected: yes.
Comment: Nonsense variant predicted to result in protein truncation or nonsense mediated decay in a gene for which loss of function is a known mechanism of disease; Not observed at significant frequency in large population cohorts (gnomAD); This variant is associated with the following publications: (PMID: 27250695, 31589614, 19353628, 25525159, 29431480, 36213152, 40844101, 40476269, 31934343)

Laboratorio de Biologia Molecular/Medicina Genomica - IFF/Fiocruz, Instituto Fernandes Figueira, Fundacao Oswaldo Cruz
Classification: Pathogenic for Microcephaly 5, primary, autosomal recessive. Last evaluated: 2025-03-31. Review status: criteria provided, single submitter. Criteria: ACMG Guidelines, 2015. Collection method: clinical testing. Allele origin: unknown. Inheritance: Autosomal recessive inheritance. Affected: yes. Observed: 1 homozygote.
Comment: The homozygous c.9697C>T variant is located in the coding exon 24 of the ASPM gene, resulting in a premature termination codon (p.Arg3233*). This variant is predicted to cause loss of function by nonsense-mediated decay (NMD), because the premature termination codon (PTC) is not occurring in the 3′ most exon or the 3′-most 50 bp of the penultimate exon of the canonical transcript (NM_018136.5). This variant is rare in population database (GnomAD V4: 0,0007%), where it appears only in the heterozygous state. ClinVar contains an entry for this variant (Variation ID: 21634). It has also been identified in compound heterozygous state with a pathogenic variant in two siblings with MCPH (MCPH5) (Moriwaki et al., 2019). Based on these findings, this variant was classified as pathogenic according to ACMG/Clingen (PVS1, PM2_Supporting, PM3).

Labcorp Genetics (formerly Invitae), Labcorp
Classification: Pathogenic. Last evaluated: 2024-02-25. Review status: criteria provided, single submitter. Criteria: Invitae Variant Classification Sherloc (09022015). Collection method: clinical testing. Allele origin: germline.
Comment: This sequence change creates a premature translational stop signal (p.Arg3233*) in the ASPM gene. It is expected to result in an absent or disrupted protein product. Loss-of-function variants in ASPM are known to be pathogenic (PMID: 19028728, 23611254). This variant is present in population databases (rs199422194, gnomAD 0.003%). This premature translational stop signal has been observed in individual(s) with primary microcephaly (PMID: 19353628, 31934343). ClinVar contains an entry for this variant (Variation ID: 21634). For these reasons, this variant has been classified as Pathogenic.

Genome-Nilou Lab
Classification: Likely pathogenic for Microcephaly 5, primary, autosomal recessive. Last evaluated: 2023-04-11. Review status: criteria provided, single submitter. Criteria: ACMG Guidelines, 2015. Collection method: clinical testing. Allele origin: germline. Affected: no.

Greenwood Genetic Center Diagnostic Laboratories, Greenwood Genetic Center
Classification: Likely pathogenic for Microcephaly 5, primary, autosomal recessive. Last evaluated: 2022-04-18. Review status: criteria provided, single submitter. Criteria: ACMG Guidelines, 2015. Collection method: clinical testing. Allele origin: germline. Affected: yes.
Comment: PVS1 PM2

AURAGEN, Plan France Médecine Génomique
Classification: Pathogenic for Multiple congenital anomalies/dysmorphic syndrome-intellectual disability. Last evaluated: 2022-02-14. Review status: criteria provided, single submitter. Criteria: PFMG2025 (Lancet Reg Health Eur. 2025). Collection method: clinical testing. Allele origin: germline. Affected: yes.

Laboratorio de Genetica e Diagnostico Molecular, Hospital Israelita Albert Einstein
Classification: Likely pathogenic. Last evaluated: 2022-01-13. Review status: criteria provided, single submitter. Criteria: ACMG Guidelines, 2015. Collection method: clinical testing. Allele origin: germline. Affected: yes.
Comment: ACMG classification criteria: PVS1, PM2

Genetic Services Laboratory, University of Chicago
Classification: Pathogenic for Microcephaly 5, primary, autosomal recessive. Last evaluated: 2013-02-08. Review status: criteria provided, single submitter. Criteria: ACMG Guidelines, 2007. Collection method: clinical testing. Allele origin: germline. Inheritance: Autosomal recessive inheritance. Affected: yes.

GeneReviews
No classification provided. Condition: Microcephaly 5, primary, autosomal recessive. Review status: no classification provided. Collection method: literature only. Allele origin: unknown. Not counted in ClinVar's aggregate classification.

Literature cited by the submitters: PubMed 31934343 (cited by Laboratorio de Biologia Molecular/Medicina Genomica - IFF/Fiocruz, Instituto Fernandes Figueira, Fundacao Oswaldo Cruz and Labcorp Genetics (formerly Invitae), Labcorp); PubMed 19028728 (cited by Labcorp Genetics (formerly Invitae), Labcorp); PubMed 23611254 (cited by Labcorp Genetics (formerly Invitae), Labcorp); PubMed 19353628 (cited by Labcorp Genetics (formerly Invitae), Labcorp); PubMed 20301772 (cited by GeneReviews); NCBI Bookshelf NBK9587 (cited by GeneReviews).

NM_018136.5(ASPM):c.9697C>T (p.Arg3233Ter)

Gene: ASPM (assembly factor for spindle microtubules; minus strand). Cytogenetic location: 1q31.3.
Variant type: single nucleotide variant.
Coding change: c.9697C>T on transcript NM_018136.5 (MANE Select); coding-DNA position 9697, C replaced by T.
Protein change: p.Arg3233Ter; replaces arginine 3233 with a stop codon.
Molecular consequence: nonsense.
Genome position (GRCh38, 1-based): chr1:197,090,328, G>A on the plus strand (C>T on the coding strand, the complement: ASPM is on the minus strand). VCF-style: chr1-197090328-G-A. GRCh37 (hg19) VCF-style: chr1-197059458-G-A.
Other names: c.4942C>T, p.Arg1648Ter (NM_001206846.2); short protein forms R3233*, R1648*.
Identifiers: ClinVar variation 21634 (VCV000021634.21), dbSNP rs199422194, ClinGen allele CA342307.